The following is an entry in ClinVar:

ClinVar aggregate classification (germline): Likely benign (1 of 4 stars; one submission).

gnomAD v4.1: 1 of 1,614,138 alleles (0.000062%); highest among the groups gnomAD compares: Non-Finnish European, 0.000085%; no homozygotes.

Submission:

CeGaT Center for Human Genetics Tuebingen
Classification: Likely benign. Last evaluated: 2024-12-01. Review status: criteria provided, single submitter. Criteria: CeGaT Center For Human Genetics Tuebingen Variant Classification Criteria Version 2. Collection method: clinical testing. Allele origin: germline. Affected: yes. Observed: 1 variant allele.
Comment: ZEB2: PM2:Supporting, BP4, BP7

NM_014795.4(ZEB2):c.747G>C (p.Thr249=)

Gene: ZEB2 (zinc finger E-box binding homeobox 2; minus strand). Cytogenetic location: 2q22.3.
Variant type: single nucleotide variant.
Coding change: c.747G>C on transcript NM_014795.4 (MANE Select); coding-DNA position 747, G replaced by C.
Protein change: p.Thr249=; no amino-acid change (threonine 249 retained).
Molecular consequence: synonymous variant.
Genome position (GRCh38, 1-based): chr2:144,403,976, C>G on the plus strand (G>C on the coding strand, the complement: ZEB2 is on the minus strand). VCF-style: chr2-144403976-C-G. GRCh37 (hg19) VCF-style: chr2-145161543-C-G.
Other names: c.675G>C, p.Thr225= (NM_001171653.2).
Identifiers: ClinVar variation 3771648 (VCV003771648.13).